The following is an entry in ClinVar:

ClinVar aggregate classification (germline): Uncertain significance. Review status: criteria provided, multiple submitters, no conflicts (2 of 4 stars). 3 submissions from 3 submitters: Uncertain significance (3). Last evaluated 2026-06-05.

Conditions:
Dilated cardiomyopathy 1GG (CMD1GG). Identifiers: Orphanet 154, MedGen C3150898, MONDO:0013339, OMIM 613642.
Mitochondrial complex II deficiency, nuclear type 1. Also called: SUCCINATE CoQ REDUCTASE DEFICIENCY. Identifiers: Orphanet 3208, MedGen C5700310, MONDO:0100294, OMIM 252011.
Pheochromocytoma/paraganglioma syndrome 5. Also called: Paragangliomas 5; SDHA-Related Hereditary Paraganglioma-Pheochromocytoma Syndrome. Identifiers: Orphanet 29072, MedGen C3279992, MONDO:0013602, OMIM 614165.
Hereditary cancer-predisposing syndrome. Also called: Hereditary Cancer Syndrome; Hereditary neoplastic syndrome; Neoplastic Syndromes, Hereditary; Tumor predisposition. Identifiers: Orphanet 140162, MedGen C0027672, MeSH D009386, MONDO:0015356.

Allele frequency attached by ClinVar (database versions not stated): gnomAD exomes 0.00001.
gnomAD v4.1: 4 of 1,613,792 alleles (0.00025%); highest among the groups gnomAD compares: Non-Finnish European, 0.00034%; no homozygotes.

Submissions (3):

Ambry Genetics
Classification: Uncertain significance for Hereditary cancer-predisposing syndrome. Last evaluated: 2026-06-05. Review status: criteria provided, single submitter. Criteria: Ambry Variant Classification Scheme 2023. Collection method: clinical testing. Allele origin: germline.
Comment: The p.Y169C variant (also known as c.506A>G), located in coding exon 5 of the SDHA gene, results from an A to G substitution at nucleotide position 506. The tyrosine at codon 169 is replaced by cysteine, an amino acid with highly dissimilar properties. This amino acid position is highly conserved in available vertebrate species. In addition, this alteration is predicted to be deleterious by in silico analysis. Based on the available evidence, the clinical significance of this variant remains unclear.

Labcorp Genetics (formerly Invitae), Labcorp
Classification: Uncertain significance for Pheochromocytoma/paraganglioma syndrome 5; Mitochondrial complex II deficiency, nuclear type 1. Last evaluated: 2024-06-26. Review status: criteria provided, single submitter. Criteria: Invitae Variant Classification Sherloc (09022015). Collection method: clinical testing. Allele origin: germline.
Comment: This sequence change replaces tyrosine, which is neutral and polar, with cysteine, which is neutral and slightly polar, at codon 169 of the SDHA protein (p.Tyr169Cys). This variant is present in population databases (no rsID available, gnomAD 0.0009%). This variant has not been reported in the literature in individuals affected with SDHA-related conditions. ClinVar contains an entry for this variant (Variation ID: 1745142). Advanced modeling of protein sequence and biophysical properties (such as structural, functional, and spatial information, amino acid conservation, physicochemical variation, residue mobility, and thermodynamic stability) has been performed at Invitae for this missense variant, however the output from this modeling did not meet the statistical confidence thresholds required to predict the impact of this variant on SDHA protein function. In summary, the available evidence is currently insufficient to determine the role of this variant in disease. Therefore, it has been classified as a Variant of Uncertain Significance.

Baylor Genetics
Classification: Uncertain significance for Dilated cardiomyopathy 1GG. Last evaluated: 2024-02-16. Review status: criteria provided, single submitter. Criteria: ACMG Guidelines, 2015. Collection method: clinical testing. Allele origin: unknown.

NM_004168.4(SDHA):c.506A>G (p.Tyr169Cys)

Gene: SDHA (succinate dehydrogenase complex flavoprotein subunit A; plus strand). Cytogenetic location: 5p15.33.
Variant type: single nucleotide variant.
Coding change: c.506A>G on transcript NM_004168.4 (MANE Select); coding-DNA position 506, A replaced by G.
Protein change: p.Tyr169Cys; replaces tyrosine 169 with cysteine.
Molecular consequence: missense variant.
Genome position (GRCh38, 1-based): chr5:225,932, A>G. VCF-style: chr5-225932-A-G. GRCh37 (hg19) VCF-style: chr5-226047-A-G.
Other names: c.362A>G, p.Tyr121Cys (NM_001294332.2); c.506A>G, p.Tyr169Cys (NM_001330758.2); short protein forms Y121C, Y169C.
Identifiers: ClinVar variation 1745142 (VCV001745142.10), dbSNP rs1464540890, ClinGen allele CA359010082.
Genomic context (GRCh38, chr5:225,932, plus strand): 5'-ATCTTTCACAGCTAGAAAATTATGGCATGCCGTTTAGCAGAACTGAAGATGGGAAGATTT[A>G]TCAGCGTGCATTTGGTGGACAGAGCCTCAAGTTTGGAAAGGGCGGGCAGGCCCATCGGTG-3'
Protein context (NP_004159.2, residues 159-179): PFSRTEDGKI[Tyr169Cys]QRAFGGQSLK